The following is an entry in ClinVar:

NM_017799.4(TMEM260):c.942-1G>C

Gene: TMEM260 (transmembrane protein 260; plus strand). Cytogenetic location: 14q22.3.
Variant type: single nucleotide variant.
Coding change: c.942-1G>C on transcript NM_017799.4 (MANE Select); the canonical splice acceptor site of the intron before coding-DNA position 942, G replaced by C.
Molecular consequence: splice acceptor variant.
Genome position (GRCh38, 1-based): chr14:56,617,182, G>C. VCF-style: chr14-56617182-G-C. GRCh37 (hg19) VCF-style: chr14-57083900-G-C.
Identifiers: ClinVar variation 5018932 (VCV005018932.2).
Genomic context (GRCh38, chr14:56,617,182, plus strand): 5'-ATATTATATTTGACATTCATGTATCTAAATATTTTAGACATATTTTTATTATTTTTTGTA[G>C]GGACAGACAGAATCCATCATTAGTATGGCTTTTTACTGGAATGTTTTGCATTTATTCATT-3'

ClinVar aggregate classification (germline): Likely pathogenic (1 of 4 stars; one submission).

Conditions:
Structural heart defects and renal anomalies syndrome (SHDRA). Identifiers: Orphanet 689822, MedGen C4479549, MONDO:0044321, OMIM 617478.

Submission:

Juno Genomics, Hangzhou Juno Genomics, Inc
Classification: Likely pathogenic for Structural heart defects and renal anomalies syndrome. Review status: criteria provided, single submitter. Criteria: ACMG Guidelines, 2015. Collection method: clinical testing. Allele origin: germline.
Comment: Absent from controls (or at extremely low frequency if recessive) in Genome Aggregation Database.;Null variant in a gene where loss of function (LOF) is a known mechanism of disease.